The following is an entry in ClinVar:

NM_012282.4(KCNE5):c.397C>T (p.Pro133Ser)

Gene: KCNE5 (potassium voltage-gated channel subfamily E regulatory subunit 5; minus strand). Cytogenetic location: Xq23.
Variant type: single nucleotide variant.
Coding change: c.397C>T on transcript NM_012282.4 (MANE Select); coding-DNA position 397, C replaced by T.
Protein change: p.Pro133Ser; replaces proline 133 with serine.
Molecular consequence: missense variant.
Genome position (GRCh38, 1-based): chrX:109,624,624, G>A on the plus strand (C>T on the coding strand, the complement: KCNE5 is on the minus strand). VCF-style: chrX-109624624-G-A. GRCh37 (hg19) VCF-style: chrX-108867853-G-A.
Other names: short protein forms P133S.
Identifiers: ClinVar variation 1480735 (VCV001480735.8), dbSNP rs776874809, ClinGen allele CA334283101.

ClinVar aggregate classification (germline): Uncertain significance (1 of 4 stars; one submission).

Conditions:
Brugada syndrome. Also called: Sudden unexpected nocturnal death syndrome; Sudden unexplained nocturnal death syndrome; Sudden Unexplained Death Syndrome; Sudden Unexplained Nocturnal Death Syndrome (SUNDS). Identifiers: Orphanet 130, MedGen C1142166, MONDO:0015263.

Allele frequency attached by ClinVar (database versions not stated): gnomAD 0.00001; 1000 Genomes Project 0.00026; 1000 Genomes Project 30x 0.00042.

Submission:

Labcorp Genetics (formerly Invitae), Labcorp
Classification: Uncertain significance for Brugada syndrome. Last evaluated: 2021-04-28. Review status: criteria provided, single submitter. Criteria: Invitae Variant Classification Sherloc (09022015). Collection method: clinical testing. Allele origin: germline.
Comment: In summary, the available evidence is currently insufficient to determine the role of this variant in disease. Therefore, it has been classified as a Variant of Uncertain Significance. Algorithms developed to predict the effect of missense changes on protein structure and function output the following: SIFT: "Deleterious"; PolyPhen-2: "Possibly Damaging"; Align-GVGD: "Class C65". The serine amino acid residue is found in multiple mammalian species, suggesting that this missense change does not adversely affect protein function. These predictions have not been confirmed by published functional studies and their clinical significance is uncertain. This variant has not been reported in the literature in individuals with KCNE5-related conditions. The frequency data for this variant in the population databases is considered unreliable, as metrics indicate insufficient coverage at this position in the ExAC database. This sequence change replaces proline with serine at codon 133 of the KCNE5 protein (p.Pro133Ser). The proline residue is highly conserved and there is a moderate physicochemical difference between proline and serine.